The following is an entry in ClinVar:

NM_022575.4(VPS16):c.1348A>G (p.Ile450Val)

Gene: VPS16 (VPS16 core subunit of CORVET and HOPS complexes; plus strand). Cytogenetic location: 20p13.
Variant type: single nucleotide variant.
Coding change: c.1348A>G on transcript NM_022575.4 (MANE Select); coding-DNA position 1348, A replaced by G.
Protein change: p.Ile450Val; replaces isoleucine 450 with valine.
Molecular consequence: missense variant.
Genome position (GRCh38, 1-based): chr20:2,863,081, A>G. VCF-style: chr20-2863081-A-G. GRCh37 (hg19) VCF-style: chr20-2843727-A-G.
Other names: c.916A>G, p.Ile306Val (NM_080413.3); short protein forms I306V, I450V.
Identifiers: ClinVar variation 2652161 (VCV002652161.24), dbSNP rs150495430, ClinGen allele CA9737699.
Genomic context (GRCh38, chr20:2,863,081, plus strand): 5'-CGGGGCTTATTCTCCAACTGGATCCTTAACCGAGGAAAATACAGATATAAGCAGCTCACC[A>G]TCCAGGTGCTGCTGGACAGGTAGGGTAAGCCCAAGGGTGCAGTGAGCGGGCTGTCAGGGG-3'
Protein context (NP_072097.2, residues 440-460): LTYSQYKQLT[Ile450Val]QVLLDRLVLR

ClinVar aggregate classification (germline): Likely benign (1 of 4 stars; one submission).

Allele frequency attached by ClinVar (database versions not stated): TOPMed 0.00048; ExAC 0.00050; gnomAD 0.00053; gnomAD exomes 0.00078; ESP Exome Variant Server 0.00085.
gnomAD v4.1: 1,219 of 1,614,032 alleles (0.076%); highest among the groups gnomAD compares: Non-Finnish European, 0.094%; 1 homozygote.

Submission:

CeGaT Center for Human Genetics Tuebingen
Classification: Likely benign. Last evaluated: 2023-03-01. Review status: criteria provided, single submitter. Criteria: CeGaT Center For Human Genetics Tuebingen Variant Classification Criteria Version 2. Collection method: clinical testing. Allele origin: germline. Affected: yes. Observed: 1 variant allele.
Comment: VPS16: BP4